The following is an entry in ClinVar:

ClinVar aggregate classification (germline): Uncertain significance (1 of 4 stars; one submission).

Submission:

Labcorp Genetics (formerly Invitae), Labcorp
Classification: Uncertain significance. Last evaluated: 2025-03-11. Review status: criteria provided, single submitter. Criteria: Invitae Variant Classification Sherloc (09022015). Collection method: clinical testing. Allele origin: germline.
Comment: This sequence change replaces proline, which is neutral and non-polar, with threonine, which is neutral and polar, at codon 571 of the TOPORS protein (p.Pro571Thr). This variant is not present in population databases (gnomAD no frequency). This variant has not been reported in the literature in individuals affected with TOPORS-related conditions. ClinVar contains an entry for this variant (Variation ID: 2139087). An algorithm developed to predict the effect of missense changes on protein structure and function outputs the following: PolyPhen-2: "Benign". The threonine amino acid residue is found in multiple mammalian species, which suggests that this missense change does not adversely affect protein function. In summary, the available evidence is currently insufficient to determine the role of this variant in disease. Therefore, it has been classified as a Variant of Uncertain Significance.

NM_005802.5(TOPORS):c.1711C>A (p.Pro571Thr)

Gene: TOPORS (TOP1 binding arginine/serine rich protein, E3 ubiquitin ligase; minus strand). Cytogenetic location: 9p21.1.
Variant type: single nucleotide variant.
Coding change: c.1711C>A on transcript NM_005802.5 (MANE Select); coding-DNA position 1711, C replaced by A.
Protein change: p.Pro571Thr; replaces proline 571 with threonine.
Molecular consequence: missense variant.
Genome position (GRCh38, 1-based): chr9:32,542,814, G>T on the plus strand (C>A on the coding strand, the complement: TOPORS is on the minus strand). VCF-style: chr9-32542814-G-T. GRCh37 (hg19) VCF-style: chr9-32542812-G-T.
Other names: c.1516C>A, p.Pro506Thr (NM_001195622.2); short protein forms P506T, P571T.
Identifiers: ClinVar variation 2139087 (VCV002139087.4), dbSNP rs983046357, ClinGen allele CA192358884.
Genomic context (GRCh38, chr9:32,542,814, plus strand): 5'-GTCTATGGTTATATGGAGAATATACTCTGTCTCCTCTTACAGATGAGTTCAGGTTTCTGG[G>T]AGATGACAATGATGTAGATCGTTTCTCTTCCTTCTTTGATTTGATTCTTGTACTAGAATC-3'
Protein context (NP_005793.2, residues 561-581): EEKRSTSLSS[Pro571Thr]RNLNSSVRGD